The following is an entry in ClinVar:

ClinVar aggregate classification (germline): Uncertain significance. Review status: criteria provided, multiple submitters, no conflicts (2 of 4 stars). 2 submissions from 2 submitters: Uncertain significance (2). Last evaluated 2025-08-30.

Conditions:
Familial adenomatous polyposis 1 (FAP1). Also called: FAMILIAL ADENOMATOUS POLYPOSIS 1, ATTENUATED; POLYPOSIS, ADENOMATOUS INTESTINAL. Identifiers: MedGen C2713442, MONDO:0021056, OMIM 175100. Disease mechanism: loss of function.
Hereditary cancer-predisposing syndrome. Also called: Hereditary Cancer Syndrome; Neoplastic Syndromes, Hereditary; Hereditary neoplastic syndrome; Tumor predisposition. Identifiers: Orphanet 140162, MedGen C0027672, MeSH D009386, MONDO:0015356.

Submissions (2):

Color Diagnostics, LLC DBA Color Health
Classification: Uncertain significance for Hereditary cancer-predisposing syndrome. Last evaluated: 2025-08-30. Review status: criteria provided, single submitter. Criteria: ACMG Guidelines, 2015. Collection method: clinical testing. Allele origin: germline.
Comment: This missense variant replaces lysine with threonine at codon 311 of the APC protein. Computational prediction suggests that this variant may have deleterious impact on protein structure and function. To our knowledge, functional studies have not been reported for this variant. This variant has not been reported in individuals affected with APC-related disorders in the literature. This variant has not been identified in the general population by the Genome Aggregation Database (gnomAD). The available evidence is insufficient to determine the role of this variant in disease conclusively. Therefore, this variant is classified as a Variant of Uncertain Significance.

Labcorp Genetics (formerly Invitae), Labcorp
Classification: Uncertain significance for Familial adenomatous polyposis 1. Last evaluated: 2025-08-30. Review status: criteria provided, single submitter. Criteria: Invitae Variant Classification Sherloc (09022015). Collection method: clinical testing. Allele origin: germline.
Comment: This sequence change replaces lysine, which is basic and polar, with threonine, which is neutral and polar, at codon 311 of the APC protein (p.Lys311Thr). This variant is not present in population databases (gnomAD no frequency). This variant has not been reported in the literature in individuals affected with APC-related conditions. An algorithm developed to predict the effect of missense changes on protein structure and function (PolyPhen-2) suggests that this variant is likely to be disruptive. Algorithms developed to predict the effect of sequence changes on RNA splicing suggest that this variant may disrupt the consensus splice site. In summary, the available evidence is currently insufficient to determine the role of this variant in disease. Therefore, it has been classified as a Variant of Uncertain Significance.

NM_000038.6(APC):c.932A>C (p.Lys311Thr)

Gene: APC (APC regulator of Wnt signaling pathway; plus strand). Cytogenetic location: 5q22.2.
Variant type: single nucleotide variant.
Coding change: c.932A>C on transcript NM_000038.6 (MANE Select); coding-DNA position 932, A replaced by C.
Protein change: p.Lys311Thr; replaces lysine 311 with threonine.
Molecular consequence: missense variant. On other transcripts: non-coding transcript variant (2).
Genome position (GRCh38, 1-based): chr5:112,815,592, A>C. VCF-style: chr5-112815592-A-C. GRCh37 (hg19) VCF-style: chr5-112151289-A-C.
Other names: c.932A>C, p.Lys311Thr (NM_001127510.3, NM_001354895.2, NM_001354896.2 and 12 more transcripts); c.878A>C, p.Lys293Thr (NM_001127511.3); c.962A>C, p.Lys321Thr (NM_001354897.2, NM_001354902.2, NM_001407446.1); c.857A>C, p.Lys286Thr (NM_001354898.2, NM_001354904.2, NM_001407451.1); c.848A>C, p.Lys283Thr (NM_001354899.2, NM_001407452.1, NM_001407467.1 and 1 more transcripts); c.755A>C, p.Lys252Thr (NM_001354900.2, NM_001354901.2, NM_001354905.2 and 1 more transcripts); c.83A>C, p.Lys28Thr (NM_001354906.2, NM_001407470.1, NM_001407471.1 and 1 more transcripts); short protein forms K311T, K321T, K293T, K252T, K283T, K286T, K28T.
Identifiers: ClinVar variation 4711930 (VCV004711930.1).
Genomic context (GRCh38, chr5:112,815,592, plus strand): 5'-TTTTGAGTTCTAGTAGCACACACTCTGCACCTCGAAGGCTGACAAGTCATCTGGGAACCA[A>C]GGTAACAGAAGATTACAAACCCTGGTCACTAATGCCATGACTACTTTGCTAAGACATTCT-3'
Protein context (NP_000029.2, residues 301-321): PRRLTSHLGT[Lys311Thr]VEMVYSLLSM